The following is an entry in ClinVar:

ClinVar aggregate classification (germline): Uncertain significance (1 of 4 stars; one submission).

Conditions:
Epidermodysplasia verruciformis. Identifiers: Orphanet 302, MedGen C0014522, MONDO:0009176.

Allele frequency attached by ClinVar (database versions not stated): gnomAD exomes 0.00001 and 0.00002; gnomAD 0.00011; TOPMed 0.00011.
gnomAD v4.1: 21 of 1,613,326 alleles (0.0013%); highest among the groups gnomAD compares: Admixed American, 0.035%; no homozygotes.

Submission:

Labcorp Genetics (formerly Invitae), Labcorp
Classification: Uncertain significance for Epidermodysplasia verruciformis. Last evaluated: 2022-08-09. Review status: criteria provided, single submitter. Criteria: Invitae Variant Classification Sherloc (09022015). Collection method: clinical testing. Allele origin: germline.
Comment: This sequence change replaces proline, which is neutral and non-polar, with leucine, which is neutral and non-polar, at codon 330 of the TMC6 protein (p.Pro330Leu). This variant is present in population databases (no rsID available, gnomAD 0.01%). This variant has not been reported in the literature in individuals affected with TMC6-related conditions. ClinVar contains an entry for this variant (Variation ID: 1494593). Algorithms developed to predict the effect of missense changes on protein structure and function are either unavailable or do not agree on the potential impact of this missense change (SIFT: "Not Available"; PolyPhen-2: "Benign"; Align-GVGD: "Not Available"). In summary, the available evidence is currently insufficient to determine the role of this variant in disease. Therefore, it has been classified as a Variant of Uncertain Significance.

NM_001127198.5(TMC6):c.989C>T (p.Pro330Leu)

Gene: TMC6 (transmembrane channel like 6; minus strand). Cytogenetic location: 17q25.3.
Variant type: single nucleotide variant.
Coding change: c.989C>T on transcript NM_001127198.5 (MANE Select); coding-DNA position 989, C replaced by T.
Protein change: p.Pro330Leu; replaces proline 330 with leucine.
Molecular consequence: missense variant. On other transcripts: non-coding transcript variant (4).
Genome position (GRCh38, 1-based): chr17:78,124,082, G>A on the plus strand (C>T on the coding strand, the complement: TMC6 is on the minus strand). VCF-style: chr17-78124082-G-A. GRCh37 (hg19) VCF-style: chr17-76120163-G-A.
Other names: c.989C>T, p.Pro330Leu (NM_001321185.1, NM_001374593.1, NM_001374594.1 and 4 more transcripts); short protein forms P330L.
Identifiers: ClinVar variation 1494593 (VCV001494593.5), dbSNP rs1402737637, ClinGen allele CA401232053.
Genomic context (GRCh38, chr17:78,124,082, plus strand): 5'-CTCACGCCCACAGTGGAGAGGTAGGCCAGGGGCATGTTGTAGGGCAGGCCACCCACCCTG[G>A]GTGTGCACTGGCTGCCATCCAGGGGGCTGCCACACGGCTGGTTCAGCGTGGCGTTACTGT-3'
Protein context (NP_001120670.1, residues 320-340): GSPLDGSQCT[Pro330Leu]RVGGLPYNMP